The following is an entry in ClinVar:

NM_003114.5(SPAG1):c.2752C>T (p.Gln918Ter)

Gene: SPAG1 (sperm associated antigen 1; plus strand). Cytogenetic location: 8q22.2.
Variant type: single nucleotide variant.
Coding change: c.2752C>T on transcript NM_003114.5 (MANE Select); coding-DNA position 2752, C replaced by T.
Protein change: p.Gln918Ter; replaces glutamine 918 with a stop codon.
Molecular consequence: nonsense.
Genome position (GRCh38, 1-based): chr8:100,240,993, C>T. VCF-style: chr8-100240993-C-T. GRCh37 (hg19) VCF-style: chr8-101253221-C-T.
Other names: c.2752C>T, p.Gln918Ter (NM_001374321.1, NM_172218.3); short protein forms Q918*.
Identifiers: ClinVar variation 661998 (VCV000661998.5), dbSNP rs780337450, ClinGen allele CA4827858.

ClinVar aggregate classification (germline): Uncertain significance (1 of 4 stars; one submission).

Conditions:
Primary ciliary dyskinesia 28. Also called: CILIARY DYSKINESIA, PRIMARY, 28, WITH OR WITHOUT SITUS INVERSUS. Identifiers: Orphanet 244, MedGen C3809706, MONDO:0014216, OMIM 615505.

Allele frequency attached by ClinVar (database versions not stated): ExAC 0.00001; gnomAD exomes 0.00001.
gnomAD v4.1: 8 of 1,610,914 alleles (0.0005%); highest among the groups gnomAD compares: South Asian, 0.0088%; no homozygotes.

Submission:

Labcorp Genetics (formerly Invitae), Labcorp
Classification: Uncertain significance for Primary ciliary dyskinesia 28. Last evaluated: 2018-12-07. Review status: criteria provided, single submitter. Criteria: Invitae Variant Classification Sherloc (09022015). Collection method: clinical testing. Allele origin: germline.
Comment: This variant is present in population databases (rs780337450, ExAC 0.006%). In summary, the available evidence is currently insufficient to determine the role of this variant in disease. Therefore, it has been classified as a Variant of Uncertain Significance. This variant has not been reported in the literature in individuals with SPAG1-related disease. This sequence change results in a premature translational stop signal in the SPAG1 gene (p.Gln918*). While this is not anticipated to result in nonsense mediated decay, it is expected to disrupt the last 9 amino acids of the SPAG1 protein.